The following is an entry in ClinVar:

NM_000143.4(FH):c.974G>A (p.Ser325Asn)

Gene: FH (fumarate hydratase; minus strand). Cytogenetic location: 1q43.
Variant type: single nucleotide variant.
Coding change: c.974G>A on transcript NM_000143.4 (MANE Select); coding-DNA position 974, G replaced by A.
Protein change: p.Ser325Asn; replaces serine 325 with asparagine.
Molecular consequence: missense variant.
Genome position (GRCh38, 1-based): chr1:241,504,176, C>T on the plus strand (G>A on the coding strand, the complement: FH is on the minus strand). VCF-style: chr1-241504176-C-T. GRCh37 (hg19) VCF-style: chr1-241667476-C-T.
Other names: short protein forms S325N.
Identifiers: ClinVar variation 1054383 (VCV001054383.10), dbSNP rs1423324601, ClinGen allele CA345438304.

ClinVar aggregate classification (germline): Uncertain significance. Review status: criteria provided, multiple submitters, no conflicts (2 of 4 stars). 2 submissions from 2 submitters: Uncertain significance (2). Last evaluated 2026-03-16.

gnomAD v4.1: 2 of 1,614,228 alleles (0.00012%); highest among the groups gnomAD compares: South Asian, 0.0022%; no homozygotes.

Submissions (2):

Dasa
Classification: Uncertain significance. Last evaluated: 2026-03-16. Review status: criteria provided, single submitter. Criteria: DASA Assertion Criteria. Collection method: clinical testing. Allele origin: germline.
Comment: NM_000143.4(FH):c.974G>A (p.Ser325Asn) is a missense variant that results in the substitution of serine with asparagine. This variant is rare in population databases. Computational prediction algorithms are consistent with a deleterious effect. The currently available literature and clinical evidence are not sufficient to establish a definitive association between this variant and the reported condition. Therefore, this variant is classified as a variant of uncertain significance.

Labcorp Genetics (formerly Invitae), Labcorp
Classification: Uncertain significance. Last evaluated: 2024-10-24. Review status: criteria provided, single submitter. Criteria: Invitae Variant Classification Sherloc (09022015). Collection method: clinical testing. Allele origin: germline.
Comment: This sequence change replaces serine, which is neutral and polar, with asparagine, which is neutral and polar, at codon 325 of the FH protein (p.Ser325Asn). This variant is not present in population databases (gnomAD no frequency). This variant has not been reported in the literature in individuals affected with FH-related conditions. ClinVar contains an entry for this variant (Variation ID: 1054383). Invitae Evidence Modeling of protein sequence and biophysical properties (such as structural, functional, and spatial information, amino acid conservation, physicochemical variation, residue mobility, and thermodynamic stability) indicates that this missense variant is expected to disrupt FH protein function with a positive predictive value of 95%. In summary, the available evidence is currently insufficient to determine the role of this variant in disease. Therefore, it has been classified as a Variant of Uncertain Significance.